The following is an entry in ClinVar:

ClinVar aggregate classification (germline): Uncertain significance (1 of 4 stars; one submission).

Conditions:
Fanconi anemia (FA). Also called: Fanconi's anemia. Identifiers: Orphanet 84, MedGen C0015625, MeSH D005199, MONDO:0019391.

Submission:

Labcorp Genetics (formerly Invitae), Labcorp
Classification: Uncertain significance for Fanconi anemia. Last evaluated: 2021-12-22. Review status: criteria provided, single submitter. Criteria: Invitae Variant Classification Sherloc (09022015). Collection method: clinical testing. Allele origin: germline.
Comment: This variant is not present in population databases (gnomAD no frequency). This sequence change replaces glutamine, which is neutral and polar, with histidine, which is basic and polar, at codon 1022 of the FANCA protein (p.Gln1022His). This variant also falls at the last nucleotide of exon 31, which is part of the consensus splice site for this exon. This variant has not been reported in the literature in individuals affected with FANCA-related conditions. Algorithms developed to predict the effect of missense changes on protein structure and function are either unavailable or do not agree on the potential impact of this missense change (SIFT: "Deleterious"; PolyPhen-2: "Benign"; Align-GVGD: "Class C15"). Variants that disrupt the consensus splice site are a relatively common cause of aberrant splicing (PMID: 17576681, 9536098). In summary, the available evidence is currently insufficient to determine the role of this variant in disease. Therefore, it has been classified as a Variant of Uncertain Significance.

Literature cited by the submitters: PubMed 17576681; PubMed 9536098.

NM_000135.4(FANCA):c.3066G>C (p.Gln1022His)

Gene: FANCA (FA complementation group A; minus strand). Cytogenetic location: 16q24.3.
Variant type: single nucleotide variant.
Coding change: c.3066G>C on transcript NM_000135.4 (MANE Select); coding-DNA position 3066, G replaced by C.
Protein change: p.Gln1022His; replaces glutamine 1022 with histidine.
Molecular consequence: missense variant.
Genome position (GRCh38, 1-based): chr16:89,752,138, C>G on the plus strand (G>C on the coding strand, the complement: FANCA is on the minus strand). VCF-style: chr16-89752138-C-G. GRCh37 (hg19) VCF-style: chr16-89818546-C-G.
Other names: c.3066G>C, p.Gln1022His (NM_001286167.3); short protein forms Q1022H.
Identifiers: ClinVar variation 2053577 (VCV002053577.4), dbSNP rs2544137991, ClinGen allele CA397425882.